The following is an entry in ClinVar:

NM_003482.4(KMT2D):c.191G>A (p.Arg64Gln)

Gene: KMT2D (lysine methyltransferase 2D; minus strand). Cytogenetic location: 12q13.12.
Variant type: single nucleotide variant.
Coding change: c.191G>A on transcript NM_003482.4 (MANE Select); coding-DNA position 191, G replaced by A.
Protein change: p.Arg64Gln; replaces arginine 64 with glutamine.
Molecular consequence: missense variant.
Genome position (GRCh38, 1-based): chr12:49,054,737, C>T on the plus strand (G>A on the coding strand, the complement: KMT2D is on the minus strand). VCF-style: chr12-49054737-C-T. GRCh37 (hg19) VCF-style: chr12-49448520-C-T.
Other names: short protein forms R64Q.
Identifiers: ClinVar variation 134684 (VCV000134684.6), dbSNP rs587778462, ClinGen allele CA160533.

ClinVar aggregate classification (germline): Uncertain significance. Review status: criteria provided, multiple submitters, no conflicts (2 of 4 stars). 3 submissions from 3 submitters: Uncertain significance (2). 1 of the submissions does not count toward it. Last evaluated 2025-11-27.

Conditions:
Kabuki syndrome 1 (KABUK1). Also called: KMT2D-Related Kabuki Syndrome. Identifiers: Orphanet 2322, MedGen CN030661, MONDO:0007843, OMIM 147920.
Choanal atresia-athelia-hypothyroidism-delayed puberty-short stature syndrome (BCAHH). Also called: BRANCHIAL ARCH ABNORMALITIES, CHOANAL ATRESIA, ATHELIA, HEARING LOSS, AND HYPOTHYROIDISM SYNDROME. Identifiers: Orphanet 589856, MedGen C5680310, MONDO:0035651, OMIM 620186.
Kabuki syndrome. Also called: NIIKAWA-KUROKI SYNDROME; Kabuki make-up syndrome. Identifiers: Orphanet 2322, MedGen C0796004, MONDO:0016512.

Allele frequency attached by ClinVar (database versions not stated): gnomAD exomes below 0.00001; TOPMed below 0.00001; gnomAD 0.00001.
gnomAD v4.1: 2 of 1,613,736 alleles (0.00012%); highest among the groups gnomAD compares: Admixed American, 0.0017%; no homozygotes.

Submissions (3):

Labcorp Genetics (formerly Invitae), Labcorp
Classification: Uncertain significance for Kabuki syndrome. Last evaluated: 2025-11-27. Review status: criteria provided, single submitter. Criteria: Invitae Variant Classification Sherloc (09022015). Collection method: clinical testing. Allele origin: germline.
Comment: This sequence change replaces arginine, which is basic and polar, with glutamine, which is neutral and polar, at codon 64 of the KMT2D protein (p.Arg64Gln). This variant is not present in population databases (gnomAD no frequency). This variant has not been reported in the literature in individuals affected with KMT2D-related conditions. ClinVar contains an entry for this variant (Variation ID: 134684). Invitae Evidence Modeling of protein sequence and biophysical properties (such as structural, functional, and spatial information, amino acid conservation, physicochemical variation, residue mobility, and thermodynamic stability) indicates that this missense variant is not expected to disrupt KMT2D protein function with a negative predictive value of 95%. In summary, the available evidence is currently insufficient to determine the role of this variant in disease. Therefore, it has been classified as a Variant of Uncertain Significance.

Juno Genomics, Hangzhou Juno Genomics, Inc
Classification: Uncertain significance for Choanal atresia-athelia-hypothyroidism-delayed puberty-short stature syndrome; Kabuki syndrome 1. Review status: criteria provided, single submitter. Criteria: ACMG Guidelines, 2015. Collection method: clinical testing. Allele origin: germline.
Comment: Absent from controls (or at extremely low frequency if recessive) in Genome Aggregation Database.;Missense variant in a gene that has a low rate of benign missense variation.

ITMI
No classification provided. Condition: AllHighlyPenetrant. Last evaluated: 2013-09-19. Review status: no classification provided. Collection method: reference population. Allele origin: germline. Not counted in ClinVar's aggregate classification.
Comment: Please see associated publication for description of ethnicities

Literature cited by the submitters: PubMed 24728327 (cited by ITMI).